The following is an entry in ClinVar:

NM_153682.3(PIGP):c.-22-44C>T

Genes: PIGP (phosphatidylinositol glycan anchor biosynthesis class P; minus strand), LOC130066643 (ATAC-STARR-seq lymphoblastoid silent region 13296; plus strand). Cytogenetic location: 21q22.13.
Variant type: single nucleotide variant.
Coding change: c.-22-44C>T on transcript NM_153682.3 (MANE Select); 44 bases into the intron before 22 bases upstream of the start codon, C replaced by T.
Molecular consequence: intron variant. On other transcripts: missense variant (1).
Genome position (GRCh38, 1-based): chr21:37,072,581, G>A on the plus strand (C>T on the coding strand, the complement: PIGP is on the minus strand). VCF-style: chr21-37072581-G-A. GRCh37 (hg19) VCF-style: chr21-38444881-G-A.
Other names: c.7C>T, p.Pro3Ser (NM_153681.2); c.-266-44C>T (NM_016430.4); c.-22-44C>T (NM_001320480.2); short protein forms P3S.
Identifiers: ClinVar variation 1670166 (VCV001670166.11), dbSNP rs73200245, ClinGen allele CA10021204.

ClinVar aggregate classification (germline): Benign. Review status: criteria provided, multiple submitters, no conflicts (2 of 4 stars). 3 submissions from 3 submitters: Benign (2). 1 of the submissions does not count toward it. Last evaluated 2026-02-03.

Conditions:
PIGP-related disorder. Also called: PIGP-related condition.

Allele frequency attached by ClinVar (database versions not stated): gnomAD exomes 0.17092 and 0.18579; 1000 Genomes Project 30x 0.21518; TOPMed 0.24070; ExAC 0.18133; 1000 Genomes Project 0.20887; ESP Exome Variant Server 0.22059; gnomAD 0.23166 and 0.23910.

Submissions (3):

Labcorp Genetics (formerly Invitae), Labcorp
Classification: Benign. Last evaluated: 2026-02-03. Review status: criteria provided, single submitter. Criteria: Invitae Variant Classification Sherloc (09022015). Collection method: clinical testing. Allele origin: germline.

Breakthrough Genomics
Classification: Benign. Review status: criteria provided, single submitter. Criteria: ACMG Guidelines, 2015. Collection method: not provided. Allele origin: germline. Inheritance: Autosomal recessive inheritance. Affected: yes.

PreventionGenetics, part of Exact Sciences
Classification: Benign for PIGP-related condition. Last evaluated: 2020-08-20. Review status: no assertion criteria provided. Collection method: clinical testing. Allele origin: germline. Not counted in ClinVar's aggregate classification.
Comment: This variant is classified as benign based on ACMG/AMP sequence variant interpretation guidelines (Richards et al. 2015 PMID: 25741868, with internal and published modifications).